The following is an entry in ClinVar:

NM_000492.4(CFTR):c.901T>C (p.Tyr301His)

Gene: CFTR (CF transmembrane conductance regulator; plus strand). Cytogenetic location: 7q31.2.
Variant type: single nucleotide variant.
Coding change: c.901T>C on transcript NM_000492.4 (MANE Select); coding-DNA position 901, T replaced by C.
Protein change: p.Tyr301His; replaces tyrosine 301 with histidine.
Molecular consequence: missense variant.
Genome position (GRCh38, 1-based): chr7:117,540,131, T>C. VCF-style: chr7-117540131-T-C. GRCh37 (hg19) VCF-style: chr7-117180185-T-C.
Other names: short protein forms Y301H.
Identifiers: ClinVar variation 1765514 (VCV001765514.3), dbSNP rs2485026482, ClinGen allele CA368978024.

ClinVar aggregate classification (germline): Uncertain significance (1 of 4 stars; one submission).

Conditions:
Cystic fibrosis (CF). Also called: MUCOVISCIDOSIS. Identifiers: Orphanet 586, MedGen C0010674, MONDO:0009061, OMIM 219700. Disease mechanism: loss of function.

Submission:

Ambry Genetics
Classification: Uncertain significance for Cystic fibrosis. Last evaluated: 2025-05-31. Review status: criteria provided, single submitter. Criteria: Ambry Variant Classification Scheme 2023. Collection method: clinical testing. Allele origin: germline.
Comment: The p.Y301H variant (also known as c.901T>C), located in coding exon 8 of the CFTR gene, results from a T to C substitution at nucleotide position 901. The tyrosine at codon 301 is replaced by histidine, an amino acid with similar properties. This amino acid position is well conserved in available vertebrate species. In addition, the in silico prediction for this alteration is inconclusive. Since supporting evidence is limited at this time, the clinical significance of this alteration remains unclear.